The following is an entry in ClinVar:

NM_001348716.2(KDM6B):c.2705del (p.Leu902fs)

Gene: KDM6B (lysine demethylase 6B; plus strand). Cytogenetic location: 17p13.1.
Variant type: Deletion.
Coding change: c.2705del on transcript NM_001348716.2 (MANE Select); coding-DNA position 2705, one base deleted (T; older notation c.2705delT).
Protein change: p.Leu902fs; shifts the reading frame from leucine 902.
Molecular consequence: frameshift variant.
Genome position (GRCh38, 1-based): chr17:7,848,993, T deleted. VCF-style (leftmost placement, unchanged base first): chr17-7848992-CT-C. GRCh37 (hg19) VCF-style: chr17-7752310-CT-C.
Other names: c.2705del, p.Leu902fs (NM_001080424.2); c.2705del (NM_001080424.1); short protein forms L902fs.
Identifiers: ClinVar variation 4933352 (VCV004933352.2).

ClinVar aggregate classification (germline): Pathogenic/Likely pathogenic. Review status: criteria provided, multiple submitters, no conflicts (2 of 4 stars). 2 submissions from 2 submitters: Pathogenic (1); Likely pathogenic (1). Last evaluated 2026-04-23.

Conditions:
KDM6B-related disorder. Also called: KDM6B-related condition.

Submissions (2):

GeneDx
Classification: Pathogenic. Last evaluated: 2026-04-23. Review status: criteria provided, single submitter. Criteria: GeneDx Variant Classification Process June 2021. Collection method: clinical testing. Allele origin: germline.
Comment: Frameshift variant predicted to result in protein truncation or nonsense mediated decay in a gene for which loss of function is a known mechanism of disease; Not observed at significant frequency in large population cohorts (gnomAD); This variant is associated with the following publications: (PMID: 38326731, 39406511)

Blueprint Genetics
Classification: Likely pathogenic for KDM6B-related disorders. Last evaluated: 2020-02-19. Review status: criteria provided, single submitter. Criteria: ACMG Guidelines, 2015. Collection method: clinical testing. Allele origin: germline. Affected: yes. Observed: 1 variant allele.